The following is an entry in ClinVar:

NM_152419.3(HGSNAT):c.111del (p.Pro38fs)

Genes: HGSNAT (heparan-alpha-glucosaminide N-acetyltransferase; plus strand), LOC130000316 (ATAC-STARR-seq lymphoblastoid silent region 19164; plus strand). Cytogenetic location: 8p11.21.
Variant type: Deletion.
Coding change: c.111del on transcript NM_152419.3 (MANE Select); coding-DNA position 111, one base deleted (G; older notation c.111delG).
Protein change: p.Pro38fs; shifts the reading frame from proline 38.
Molecular consequence: frameshift variant. On other transcripts: 5 prime UTR variant (1).
Genome position (GRCh38, 1-based): chr8:43,140,607, G deleted. VCF-style (leftmost placement, unchanged base first): chr8-43140606-CG-C. GRCh37 (hg19) VCF-style: chr8-42995749-CG-C.
Other names: c.111del, p.Pro38fs (NM_001363227.2, NM_001363228.2); c.-723del (NM_001363229.2); short protein forms P38fs.
Identifiers: ClinVar variation 958777 (VCV000958777.7), dbSNP rs1802484500, ClinGen allele CA1139660515.

ClinVar aggregate classification (germline): Pathogenic (1 of 4 stars; one submission).

Conditions:
Mucopolysaccharidosis, MPS-III-C (MPS3C). Also called: MPS IIIC (Sanfilippo Syndrome Type C); MUCOPOLYSACCHARIDOSIS, TYPE IIIC; Mucopolysaccharidosis type IIIC (Sanfilippo C); mucopolysaccharidosis type 3C; SANFILIPPO SYNDROME C; MPS III C. Identifiers: Orphanet 581, Orphanet 79271, MedGen C0086649, MONDO:0009657, OMIM 252930.
Retinitis pigmentosa 73 (RP73). Identifiers: Orphanet 791, MedGen C4225287, MONDO:0014687, OMIM 616544.

Submission:

Labcorp Genetics (formerly Invitae), Labcorp
Classification: Pathogenic for Retinitis pigmentosa 73; Mucopolysaccharidosis, MPS-III-C. Last evaluated: 2020-08-26. Review status: criteria provided, single submitter. Criteria: Invitae Variant Classification Sherloc (09022015). Collection method: clinical testing. Allele origin: germline.
Comment: The frequency data for this variant in the population databases is considered unreliable, as metrics indicate insufficient coverage at this position in the ExAC database. This variant has not been reported in the literature in individuals with HGSNAT-related conditions. Loss-of-function variants in HGSNAT are known to be pathogenic (PMID: 17033958, 19479962). For these reasons, this variant has been classified as Pathogenic. This sequence change creates a premature translational stop signal (p.Pro38Hisfs*4) in the HGSNAT gene. It is expected to result in an absent or disrupted protein product.

Literature cited by the submitters: PubMed 17033958; PubMed 19479962.